The following is an entry in ClinVar:

ClinVar aggregate classification (germline): Uncertain significance (1 of 4 stars; one submission).

Allele frequency attached by ClinVar (database versions not stated): gnomAD exomes 0.00001; TOPMed 0.00001; ExAC 0.00002; gnomAD 0.00003.
gnomAD v4.1: 18 of 1,614,004 alleles (0.0011%); highest among the groups gnomAD compares: Middle Eastern, 0.016%; no homozygotes.

Submission:

Labcorp Genetics (formerly Invitae), Labcorp
Classification: Uncertain significance. Last evaluated: 2022-08-01. Review status: criteria provided, single submitter. Criteria: Invitae Variant Classification Sherloc (09022015). Collection method: clinical testing. Allele origin: germline.
Comment: This sequence change replaces aspartic acid, which is acidic and polar, with glycine, which is neutral and non-polar, at codon 97 of the DGUOK protein (p.Asp97Gly). This variant is present in population databases (rs373983566, gnomAD 0.008%). This variant has not been reported in the literature in individuals affected with DGUOK-related conditions. Algorithms developed to predict the effect of missense changes on protein structure and function are either unavailable or do not agree on the potential impact of this missense change (SIFT: "Deleterious"; PolyPhen-2: "Benign"; Align-GVGD: "Class C0"). In summary, the available evidence is currently insufficient to determine the role of this variant in disease. Therefore, it has been classified as a Variant of Uncertain Significance.

NM_080916.3(DGUOK):c.290A>G (p.Asp97Gly)

Gene: DGUOK (deoxyguanosine kinase; plus strand). Cytogenetic location: 2p13.1.
Variant type: single nucleotide variant.
Coding change: c.290A>G on transcript NM_080916.3 (MANE Select); coding-DNA position 290, A replaced by G.
Protein change: p.Asp97Gly; replaces aspartic acid 97 with glycine.
Molecular consequence: missense variant. On other transcripts: 5 prime UTR variant (4), non-coding transcript variant (5).
Genome position (GRCh38, 1-based): chr2:73,946,753, A>G. VCF-style: chr2-73946753-A-G. GRCh37 (hg19) VCF-style: chr2-74173880-A-G.
Other names: c.290A>G, p.Asp97Gly (NM_001318859.2, NM_080918.3); c.-2A>G (NM_001318860.2, NM_001318861.2, NM_001318862.2 and 1 more transcripts); short protein forms D97G.
Identifiers: ClinVar variation 1932795 (VCV001932795.2), dbSNP rs373983566, ClinGen allele CA1718225.